The following is an entry in ClinVar:

ClinVar aggregate classification (germline): Uncertain significance. Review status: criteria provided, multiple submitters, no conflicts (2 of 4 stars). 2 submissions from 2 submitters: Uncertain significance (2). Last evaluated 2025-05-20.

Conditions:
Inborn genetic diseases. Identifiers: MedGen C0950123, MeSH D030342.

gnomAD v4.1: 1 of 1,613,196 alleles (0.000062%); highest among the groups gnomAD compares: Non-Finnish European, 0.000085%; no homozygotes.

Submissions (2):

Ambry Genetics
Classification: Uncertain significance for Inborn genetic diseases. Last evaluated: 2025-05-20. Review status: criteria provided, single submitter. Criteria: Ambry Variant Classification Scheme 2023. Collection method: clinical testing. Allele origin: germline.

Mayo Clinic Laboratories, Mayo Clinic
Classification: Uncertain significance. Last evaluated: 2025-05-15. Review status: criteria provided, single submitter. Criteria: ACMG Guidelines, 2015. Collection method: clinical testing. Allele origin: germline. Observed: 1 variant allele.
Comment: PP3, PM2_supporting

NM_001363118.2(SLC52A2):c.475T>C (p.Cys159Arg)

Gene: SLC52A2 (solute carrier family 52 member 2; plus strand). Cytogenetic location: 8q24.3.
Variant type: single nucleotide variant.
Coding change: c.475T>C on transcript NM_001363118.2 (MANE Select); coding-DNA position 475, T replaced by C.
Protein change: p.Cys159Arg; replaces cysteine 159 with arginine.
Molecular consequence: missense variant. On other transcripts: non-coding transcript variant (1), intron variant (1).
Genome position (GRCh38, 1-based): chr8:144,359,967, T>C. VCF-style: chr8-144359967-T-C. GRCh37 (hg19) VCF-style: chr8-145583627-T-C.
Other names: p.Cys159Arg; c.475T>C, p.Cys159Arg (NM_001253815.2, NM_001253816.2, NM_001363120.2 and 2 more transcripts); c.211T>C, p.Cys71Arg (NM_001410949.1); c.131-148T>C (NM_001363122.2); short protein forms C71R, C159R.
Identifiers: ClinVar variation 3957310 (VCV003957310.2).